The following is an entry in ClinVar:

ClinVar aggregate classification (germline): Uncertain significance. Review status: criteria provided, multiple submitters, no conflicts (2 of 4 stars). 2 submissions from 2 submitters: Uncertain significance (2). Last evaluated 2026-03-30.

Conditions:
PCNT-related disorder. Also called: PCNT-related condition.

Allele frequency attached by ClinVar (database versions not stated): TOPMed below 0.00001; gnomAD exomes 0.00001; ExAC 0.00002.
gnomAD v4.1: 8 of 1,614,024 alleles (0.0005%); highest among the groups gnomAD compares: East Asian, 0.0067%; no homozygotes.

Submissions (2):

PreventionGenetics, part of Exact Sciences
Classification: Uncertain significance for PCNT-related condition. Last evaluated: 2026-03-30. Review status: criteria provided, single submitter. Criteria: ACMG Guidelines, 2015. Collection method: clinical testing. Allele origin: germline.
Comment: The PCNT c.7034C>T variant is predicted to result in the amino acid substitution p.Ser2345Leu. To our knowledge, this variant has not been reported in the literature. This variant is reported in 0.027% of alleles in individuals of East Asian descent in gnomAD. Of note, in multiple species a leucine (Leu) is present at the Ser2345 residue. At this time, the clinical significance of this variant is uncertain due to the absence of conclusive functional and genetic evidence.

CeGaT Center for Human Genetics Tuebingen
Classification: Uncertain significance. Last evaluated: 2023-09-01. Review status: criteria provided, single submitter. Criteria: CeGaT Center For Human Genetics Tuebingen Variant Classification Criteria Version 2. Collection method: clinical testing. Allele origin: germline. Affected: yes. Observed: 1 variant allele.
Comment: PCNT: PM2, BP4

NM_006031.6(PCNT):c.7034C>T (p.Ser2345Leu)

Gene: PCNT (pericentrin; plus strand). Cytogenetic location: 21q22.3.
Variant type: single nucleotide variant.
Coding change: c.7034C>T on transcript NM_006031.6 (MANE Select); coding-DNA position 7034, C replaced by T.
Protein change: p.Ser2345Leu; replaces serine 2345 with leucine.
Molecular consequence: missense variant.
Genome position (GRCh38, 1-based): chr21:46,421,979, C>T. VCF-style: chr21-46421979-C-T. GRCh37 (hg19) VCF-style: chr21-47841893-C-T.
Other names: c.6680C>T, p.Ser2227Leu (NM_001315529.2); short protein forms S2227L, S2345L.
Identifiers: ClinVar variation 2629376 (VCV002629376.25), dbSNP rs746166873, ClinGen allele CA10080501.
Genomic context (GRCh38, chr21:46,421,979, plus strand): 5'-GGAACCCCCTGGAGAGCTGTGGGTGGGACCCTGACCCTGTGGTGTTTTTAGGTGACGGCT[C>T]GGGTTTTGGAGCAAGACTGAGCCCGGGGTCAGGAGGCCCTGAGGCTCAAACTGCTGGTCC-3'
Protein context (NP_006022.3, residues 2335-2355): KADRSEKSDG[Ser2345Leu]GFGARLSPGS